The following is an entry in ClinVar:

NM_000075.4(CDK4):c.451G>A (p.Gly151Ser)

Gene: CDK4 (cyclin dependent kinase 4; minus strand). Cytogenetic location: 12q14.1.
Variant type: single nucleotide variant.
Coding change: c.451G>A on transcript NM_000075.4 (MANE Select); coding-DNA position 451, G replaced by A.
Protein change: p.Gly151Ser; replaces glycine 151 with serine.
Molecular consequence: missense variant.
Genome position (GRCh38, 1-based): chr12:57,750,994, C>T on the plus strand (G>A on the coding strand, the complement: CDK4 is on the minus strand). VCF-style: chr12-57750994-C-T. GRCh37 (hg19) VCF-style: chr12-58144777-C-T.
Other names: short protein forms G151S.
Identifiers: ClinVar variation 648927 (VCV000648927.11), dbSNP rs1280774592, ClinGen allele CA385546432.
Genomic context (GRCh38, chr12:57,750,994, plus strand): 5'-GTGCCATCTGGTAGCTGTAGATTCTGGCCAGGCCAAAGTCAGCCAGCTTGACTGTTCCAC[C>T]ACTTGTCACCAGAATGTTCTCTGGCTTCAGATCTCGGTGAACGATGCAATTGGCATGAAG-3'
Protein context (NP_000066.1, residues 141-161): LKPENILVTS[Gly151Ser]GTVKLADFGL

ClinVar aggregate classification (germline): Uncertain significance. Review status: criteria provided, multiple submitters, no conflicts (2 of 4 stars). 2 submissions from 2 submitters: Uncertain significance (2). Last evaluated 2025-12-29.

Conditions:
Familial melanoma. Also called: Hereditary melanoma; Hereditary cutaneous melanoma. Identifiers: Orphanet 618, MedGen C1512419, MONDO:0018961.
Hereditary cancer-predisposing syndrome. Also called: Neoplastic Syndromes, Hereditary; Tumor predisposition; Hereditary Cancer Syndrome; Hereditary neoplastic syndrome. Identifiers: Orphanet 140162, MedGen C0027672, MeSH D009386, MONDO:0015356.

Allele frequency attached by ClinVar (database versions not stated): gnomAD 0.00001 and 0.00002; TOPMed 0.00002.
gnomAD v4.1: 2 of 1,614,034 alleles (0.00012%); highest among the groups gnomAD compares: African/African-American, 0.0027%; no homozygotes.

Submissions (2):

Labcorp Genetics (formerly Invitae), Labcorp
Classification: Uncertain significance for Familial melanoma. Last evaluated: 2025-12-29. Review status: criteria provided, single submitter. Criteria: Invitae Variant Classification Sherloc (09022015). Collection method: clinical testing. Allele origin: germline.
Comment: This sequence change replaces glycine, which is neutral and non-polar, with serine, which is neutral and polar, at codon 151 of the CDK4 protein (p.Gly151Ser). This variant is not present in population databases (gnomAD no frequency). This variant has not been reported in the literature in individuals affected with CDK4-related conditions. ClinVar contains an entry for this variant (Variation ID: 648927). Invitae Evidence Modeling of protein sequence and biophysical properties (such as structural, functional, and spatial information, amino acid conservation, physicochemical variation, residue mobility, and thermodynamic stability) indicates that this missense variant is not expected to disrupt CDK4 protein function with a negative predictive value of 95%. In summary, the available evidence is currently insufficient to determine the role of this variant in disease. Therefore, it has been classified as a Variant of Uncertain Significance.

Ambry Genetics
Classification: Uncertain significance for Hereditary cancer-predisposing syndrome. Last evaluated: 2024-03-09. Review status: criteria provided, single submitter. Criteria: Ambry Variant Classification Scheme 2023. Collection method: clinical testing. Allele origin: germline.
Comment: The p.G151S variant (also known as c.451G>A), located in coding exon 3 of the CDK4 gene, results from a G to A substitution at nucleotide position 451. The glycine at codon 151 is replaced by serine, an amino acid with similar properties. This amino acid position is not well conserved in available vertebrate species. In addition, this alteration is predicted to be tolerated by in silico analysis. Since supporting evidence is limited at this time, the clinical significance of this alteration remains unclear.